The following is an entry in ClinVar:

NM_001130987.2(DYSF):c.3403-2A>G

Gene: DYSF (dysferlin; plus strand). Cytogenetic location: 2p13.2.
Variant type: single nucleotide variant.
Coding change: c.3403-2A>G on transcript NM_001130987.2 (MANE Select); the canonical splice acceptor site of the intron before coding-DNA position 3403, A replaced by G.
Molecular consequence: splice acceptor variant.
Genome position (GRCh38, 1-based): chr2:71,589,591, A>G. VCF-style: chr2-71589591-A-G. GRCh37 (hg19) VCF-style: chr2-71816721-A-G.
Other names: c.3442-2A>G (NM_001130979.2); c.3400-2A>G (NM_001130981.2, NM_001130980.2); c.3349-2A>G (NM_001130978.2, NM_003494.4); c.3307-2A>G (NM_001130977.2, NM_001130976.2); c.3445-2A>G (NM_001130982.2); c.3403-2A>G (NM_001130985.2); c.3352-2A>G (NM_001130983.2, NM_001130455.2); c.3310-2A>G (NM_001130984.2, NM_001130986.2).
Identifiers: ClinVar variation 196694 (VCV000196694.19), dbSNP rs370874727, ClinGen allele CA275204.

ClinVar aggregate classification (germline): Pathogenic. Review status: criteria provided, multiple submitters, no conflicts (2 of 4 stars). 6 submissions from 6 submitters: Pathogenic (5). 1 of the submissions does not count toward it. Last evaluated 2026-01-14.

Conditions:
Autosomal recessive limb-girdle muscular dystrophy. Identifiers: Orphanet 102015, MedGen C2931907, MONDO:0015152.
Neuromuscular disease caused by qualitative or quantitative defects of dysferlin. Also called: Dysferlinopathy; Qualitative or quantitative defects of dysferlin. Identifiers: Orphanet 207073, MedGen C2931687, MONDO:0016145.
Autosomal recessive limb-girdle muscular dystrophy type 2B (LGMDR2). Also called: MUSCULAR DYSTROPHY, LIMB-GIRDLE, TYPE 3; Limb-girdle muscular dystrophy, type 2B; MUSCULAR DYSTROPHY, LIMB-GIRDLE, AUTOSOMAL RECESSIVE 2; Limb-Girdle Muscular Dystrophy Type 2B (LGMD2B). Identifiers: Orphanet 268, MedGen C1850889, MONDO:0009676, OMIM 253601.
Miyoshi muscular dystrophy 1 (MMD1). Identifiers: Orphanet 45448, MedGen C4551973, MONDO:0024545, OMIM 254130.

Allele frequency attached by ClinVar (database versions not stated): ExAC 0.00001; gnomAD exomes 0.00001 and 0.00002; gnomAD 0.00002; TOPMed 0.00003; ESP Exome Variant Server 0.00008.
gnomAD v4.1: 37 of 1,613,786 alleles (0.0023%); highest among the groups gnomAD compares: Non-Finnish European, 0.003%; no homozygotes.

Submissions (7):

Labcorp Genetics (formerly Invitae), Labcorp
Classification: Pathogenic for Neuromuscular disease caused by qualitative or quantitative defects of dysferlin. Last evaluated: 2026-01-14. Review status: criteria provided, single submitter. Criteria: Invitae Variant Classification Sherloc (09022015). Collection method: clinical testing. Allele origin: germline.
Comment: This sequence change affects an acceptor splice site in intron 30 of the DYSF gene. It is expected to disrupt RNA splicing. Variants that disrupt the donor or acceptor splice site typically lead to a loss of protein function (PMID: 16199547), and loss-of-function variants in DYSF are known to be pathogenic (PMID: 17698709, 20301480). This variant is present in population databases (rs370874727, gnomAD 0.003%). Disruption of this splice site has been observed in individuals with clinical features of limb-girdle muscular dystrophy (PMID: 19528035; internal data). ClinVar contains an entry for this variant (Variation ID: 196694). Algorithms developed to predict the effect of sequence changes on RNA splicing suggest that this variant may disrupt the consensus splice site. For these reasons, this variant has been classified as Pathogenic.

Natera, Inc.
Classification: Pathogenic for Limb-girdle muscular dystrophy type 2B. Last evaluated: 2025-03-25. Review status: criteria provided, single submitter. Criteria: Natera Variant Classification Schema (03/2026). Collection method: clinical testing. Allele origin: germline.
Comment: The c.3349-2A>G variant in DYSF is a canonical splice acceptor site variant predicted to affect pre-mRNA splicing, which may result in an abnormal transcript and altered protein product. This variant is expected to result in nonsense mediated decay, truncation, or a dysfunctional protein product. This variant is rare in the general population with a frequency below the threshold expected for the associated phenotype(s). This variant has been observed in one or more individuals affected with the associated recessive disease, as either homozygous or compound heterozygous with a second variant (PMID: 36419651). Functional studies show that this variant may disrupt protein function (PMID: 36419651). Given the available evidence, this variant is classified as Pathogenic.

Women's Health and Genetics/Laboratory Corporation of America, LabCorp
Classification: Pathogenic for Autosomal recessive limb-girdle muscular dystrophy. Last evaluated: 2024-10-15. Review status: criteria provided, single submitter. Criteria: LabCorp Variant Classification Summary - May 2015. Collection method: clinical testing. Allele origin: germline.
Comment: Variant summary: DYSF c.3349-2A>G is located in a canonical splice-site and is predicted to affect mRNA splicing resulting in a significantly altered protein due to either exon skipping, shortening, or inclusion of intronic material. Variants that disrupt the consensus splice site are a relatively common cause of aberrant splicing and loss of DYSF function. Several computational tools predict a significant impact on normal splicing: Four predict the variant abolishes the canonical 3' acceptor site. However, these predictions have yet to be confirmed by functional studies.The variant allele was found at a frequency of 1.2e-05 in 251474 control chromosomes. c.3349-2A>G has been reported in the literature in at-least one individual affected with Limb-Girdle Muscular Dystrophy, Autosomal Recessive (example, Klinge_2010). To our knowledge, no experimental evidence demonstrating an impact on protein function has been reported. The following publication has been ascertained in the context of this evaluation (PMID: 19528035). ClinVar contains an entry for this variant (Variation ID: 196694). Based on the evidence outlined above, the variant was classified as pathogenic.

Baylor Genetics
Classification: Pathogenic for Miyoshi muscular dystrophy 1. Last evaluated: 2024-01-18. Review status: criteria provided, single submitter. Criteria: ACMG Guidelines, 2015. Collection method: clinical testing. Allele origin: unknown.

Eurofins Ntd Llc (ga)
Classification: Pathogenic. Last evaluated: 2015-07-14. Review status: criteria provided, single submitter. Criteria: EGL Classification Definitions 2015. Collection method: clinical testing. Allele origin: germline. Observed: 2 variant alleles, 2 heterozygotes.

Counsyl
Classification: Likely pathogenic for Autosomal recessive limb-girdle muscular dystrophy type 2B. Last evaluated: 2017-06-28. Review status: no assertion criteria provided. Collection method: clinical testing. Allele origin: unknown. Not counted in ClinVar's aggregate classification.

Dr. Peter K. Rogan Lab, Western University
No classification provided (evidence only). Condition: Acute myeloid leukemia. Review status: no classification provided. Collection method: in vitro. Allele origin: not applicable. Functional consequence: retained intron. Not counted in ClinVar's aggregate classification.

Literature cited by the submitters: PubMed 16199547 (cited by Labcorp Genetics (formerly Invitae), Labcorp); PubMed 17698709 (cited by Labcorp Genetics (formerly Invitae), Labcorp); PubMed 20301480 (cited by Labcorp Genetics (formerly Invitae), Labcorp); PubMed 19528035 (cited by 4 submitters); PubMed 36419651 (cited by Natera, Inc.); PubMed 25312915 (cited by Counsyl).